The following is an entry in ClinVar:

NM_015001.3(SPEN):c.9729CACCCC[1] (p.3244TP[1])

Gene: SPEN (spen family transcriptional repressor; plus strand). Cytogenetic location: 1p36.13.
Variant type: Microsatellite.
Coding change: c.9729CACCCC[1] on transcript NM_015001.3 (MANE Select); one copy of the 6-base unit CACCCC starting at c.9729; the reference has two copies in a row; one copy, 6 bases deleted.
Protein change: p.3244TP[1].
Molecular consequence: inframe deletion.
Genome position (GRCh38, 1-based): chr1:15,935,975-15,935,980, CACCCC deleted; deleting any 6 consecutive bases within chr1:15,935,965-15,935,980 gives the same sequence; the position shown is the placement nearest the transcript's 3' end. VCF-style (leftmost placement, unchanged base first): chr1-15935964-GCCCCCA-G. GRCh37 (hg19) VCF-style: chr1-16262459-GCCCCCA-G.
Identifiers: ClinVar variation 4821653 (VCV004821653.4).

ClinVar aggregate classification (germline): Likely benign (1 of 4 stars; one submission).

Submission:

CeGaT Center for Human Genetics Tuebingen
Classification: Likely benign. Last evaluated: 2026-03-01. Review status: criteria provided, single submitter. Criteria: CeGaT Center For Human Genetics Tuebingen Variant Classification Criteria Version 2. Collection method: clinical testing. Allele origin: germline. Affected: yes. Observed: 1 variant allele.
Comment: SPEN: BS1